The following is an entry in ClinVar:

ClinVar aggregate classification (germline): Uncertain significance (1 of 4 stars; one submission).

Submission:

GeneDx
Classification: Uncertain significance. Last evaluated: 2023-06-08. Review status: criteria provided, single submitter. Criteria: GeneDx Variant Classification Process June 2021. Collection method: clinical testing. Allele origin: germline. Affected: yes.
Comment: Not observed at significant frequency in large population cohorts (gnomAD); In silico analysis supports that this missense variant has a deleterious effect on protein structure/function; Has not been previously published as pathogenic or benign to our knowledge

NM_001429.4(EP300):c.4962G>C (p.Met1654Ile)

Gene: EP300 (E1A binding protein p300; plus strand). Cytogenetic location: 22q13.2.
Variant type: single nucleotide variant.
Coding change: c.4962G>C on transcript NM_001429.4 (MANE Select); coding-DNA position 4962, G replaced by C.
Protein change: p.Met1654Ile; replaces methionine 1654 with isoleucine.
Molecular consequence: missense variant.
Genome position (GRCh38, 1-based): chr22:41,176,429, G>C. VCF-style: chr22-41176429-G-C. GRCh37 (hg19) VCF-style: chr22-41572433-G-C.
Other names: c.4884G>C, p.Met1628Ile (NM_001362843.2); short protein forms M1628I, M1654I.
Identifiers: ClinVar variation 3359494 (VCV003359494.1).